The following is an entry in ClinVar:

ClinVar aggregate classification (germline): Likely benign. Review status: criteria provided, multiple submitters, no conflicts (2 of 4 stars). 4 submissions from 4 submitters: Likely benign (4). Last evaluated 2026-03-23.

Conditions:
ACTB-related disorder. Also called: ACTB-related disorders; ACTB-related condition.
Baraitser-Winter syndrome 1 (BRWS1). Also called: BARAITSER-WINTER SYNDROME 1, ATYPICAL; PACHYGYRIA, MENTAL RETARDATION, EPILEPSY, AND CHARACTERISTIC FACIES; MENTAL RETARDATION WITH EPILEPSY AND CHARACTERISTIC FACIES; Cerebrofrontofacial syndrome. Identifiers: Orphanet 2649, Orphanet 2995, MedGen C1855722, MONDO:0009470, OMIM 243310.

Allele frequency attached by ClinVar (database versions not stated): TOPMed 0.00005.
gnomAD v4.1: 59 of 1,613,956 alleles (0.0037%); highest among the groups gnomAD compares: Admixed American, 0.005%; no homozygotes.

Submissions (4):

PreventionGenetics, part of Exact Sciences
Classification: Likely benign for ACTB-related condition. Last evaluated: 2026-03-23. Review status: criteria provided, single submitter. Criteria: ACMG Guidelines, 2015. Collection method: clinical testing. Allele origin: germline.
Comment: This variant is classified as likely benign based on ACMG/AMP sequence variant interpretation guidelines (Richards et al. 2015 PMID: 25741868, with internal and published modifications).

Labcorp Genetics (formerly Invitae), Labcorp
Classification: Likely benign for Baraitser-Winter syndrome 1. Last evaluated: 2026-01-22. Review status: criteria provided, single submitter. Criteria: Invitae Variant Classification Sherloc (09022015). Collection method: clinical testing. Allele origin: germline.

Mayo Clinic Laboratories, Mayo Clinic
Classification: Likely benign. Last evaluated: 2025-10-03. Review status: criteria provided, single submitter. Criteria: ACMG Guidelines, 2015. Collection method: clinical testing. Allele origin: germline. Observed: 1 variant allele.
Comment: BP4, BP7

Blueprint Genetics
Classification: Likely benign. Last evaluated: 2024-11-19. Review status: criteria provided, single submitter. Criteria: ACMG Guidelines, 2015. Collection method: clinical testing. Allele origin: germline.

NM_001101.5(ACTB):c.609G>A (p.Thr203=)

Gene: ACTB (actin beta; minus strand). Cytogenetic location: 7p22.1.
Variant type: single nucleotide variant.
Coding change: c.609G>A on transcript NM_001101.5 (MANE Select); coding-DNA position 609, G replaced by A.
Protein change: p.Thr203=; no amino-acid change (threonine 203 retained).
Molecular consequence: synonymous variant.
Genome position (GRCh38, 1-based): chr7:5,528,474, C>T on the plus strand (G>A on the coding strand, the complement: ACTB is on the minus strand). VCF-style: chr7-5528474-C-T. GRCh37 (hg19) VCF-style: chr7-5568105-C-T.
Other names: p.Thr203=; c.609G>A (LRG_132t1).
Identifiers: ClinVar variation 641771 (VCV000641771.11), dbSNP rs148292298, ClinGen allele CA4146983.